The following is an entry in ClinVar:

ClinVar aggregate classification (germline): Uncertain significance. Review status: criteria provided, multiple submitters, no conflicts (2 of 4 stars). 3 submissions from 3 submitters: Uncertain significance (2). 1 of the submissions does not count toward it. Last evaluated 2025-09-28.

Conditions:
Retinitis pigmentosa 4 (RP4). Also called: RETINITIS PIGMENTOSA, RHODOPSIN-RELATED. Identifiers: Orphanet 791, MedGen C3151001, MONDO:0013395, OMIM 613731.

Allele frequency attached by ClinVar (database versions not stated): TOPMed 0.00006.

Submissions (3):

Labcorp Genetics (formerly Invitae), Labcorp
Classification: Uncertain significance. Last evaluated: 2025-09-28. Review status: criteria provided, single submitter. Criteria: Invitae Variant Classification Sherloc (09022015). Collection method: clinical testing. Allele origin: germline.
Comment: This sequence change replaces alanine, which is neutral and non-polar, with threonine, which is neutral and polar, at codon 299 of the RHO protein (p.Ala299Thr). This variant is present in population databases (rs779665096, gnomAD 0.008%). This variant has not been reported in the literature in individuals affected with RHO-related conditions. ClinVar contains an entry for this variant (Variation ID: 625305). Invitae Evidence Modeling of protein sequence and biophysical properties (such as structural, functional, and spatial information, amino acid conservation, physicochemical variation, residue mobility, and thermodynamic stability) indicates that this missense variant is not expected to disrupt RHO protein function with a negative predictive value of 95%. In summary, the available evidence is currently insufficient to determine the role of this variant in disease. Therefore, it has been classified as a Variant of Uncertain Significance.

Blueprint Genetics
Classification: Uncertain significance. Last evaluated: 2023-09-12. Review status: criteria provided, single submitter. Criteria: ACMG Guidelines, 2015. Collection method: clinical testing. Allele origin: germline.

Ocular Genomics Institute, Massachusetts Eye and Ear
Classification: Uncertain significance for Retinitis pigmentosa 4. Last evaluated: 2019-01-09. Review status: no assertion criteria provided. Collection method: research. Allele origin: germline. Affected: yes. Not counted in ClinVar's aggregate classification.

NM_000539.3(RHO):c.895G>A (p.Ala299Thr)

Gene: RHO (rhodopsin; plus strand). Cytogenetic location: 3q22.1.
Variant type: single nucleotide variant.
Coding change: c.895G>A on transcript NM_000539.3 (MANE Select); coding-DNA position 895, G replaced by A.
Protein change: p.Ala299Thr; replaces alanine 299 with threonine.
Molecular consequence: missense variant.
Genome position (GRCh38, 1-based): chr3:129,532,731, G>A. VCF-style: chr3-129532731-G-A. GRCh37 (hg19) VCF-style: chr3-129251574-G-A.
Other names: short protein forms A299T.
Identifiers: ClinVar variation 625305 (VCV000625305.8), dbSNP rs779665096, ClinGen allele CA2607306.